The following is an entry in ClinVar:

ClinVar aggregate classification (germline): Uncertain significance. Review status: criteria provided, multiple submitters, no conflicts (2 of 4 stars). 6 submissions from 6 submitters: Uncertain significance (6). Last evaluated 2026-01-19.

Conditions:
Catecholaminergic polymorphic ventricular tachycardia (CVPT). Also called: Catecholamine-induced polymorphic ventricular tachycardia. Identifiers: Orphanet 3286, MedGen C5574922, MONDO:0017990.
Cardiomyopathy (CMYO). Also called: Cardiomyopathies. Identifiers: Orphanet 167848, MedGen C0878544, MONDO:0004994, HP:0001638. Inheritance: Various modes of inheritance.
Catecholaminergic polymorphic ventricular tachycardia 1. Also called: VENTRICULAR TACHYCARDIA, CATECHOLAMINERGIC POLYMORPHIC, 1, WITH OR WITHOUT ATRIAL DYSFUNCTION AND/OR DILATED CARDIOMYOPATHY; RYR2-Related Catecholaminergic Polymorphic Ventricular Tachycardia; VENTRICULAR TACHYCARDIA, STRESS-INDUCED POLYMORPHIC 1. Identifiers: Orphanet 3286, MedGen C1631597, MONDO:0011484, OMIM 604772.

Allele frequency attached by ClinVar (database versions not stated): gnomAD exomes 0.00001; ExAC 0.00002; TOPMed 0.00002.
gnomAD v4.1: 17 of 1,613,890 alleles (0.0011%); highest among the groups gnomAD compares: Admixed American, 0.005%; no homozygotes.

Submissions (6):

Labcorp Genetics (formerly Invitae), Labcorp
Classification: Uncertain significance for Catecholaminergic polymorphic ventricular tachycardia 1. Last evaluated: 2026-01-19. Review status: criteria provided, single submitter. Criteria: Invitae Variant Classification Sherloc (09022015). Collection method: clinical testing. Allele origin: germline.
Comment: This sequence change replaces arginine, which is basic and polar, with tryptophan, which is neutral and slightly polar, at codon 1807 of the RYR2 protein (p.Arg1807Trp). This variant is present in population databases (rs752863160, gnomAD 0.006%). This variant has not been reported in the literature in individuals affected with RYR2-related conditions. ClinVar contains an entry for this variant (Variation ID: 653453). Invitae Evidence Modeling of protein sequence and biophysical properties (such as structural, functional, and spatial information, amino acid conservation, physicochemical variation, residue mobility, and thermodynamic stability) has been performed for this missense variant. However, the output from this modeling did not meet the statistical confidence thresholds required to predict the impact of this variant on RYR2 protein function. In summary, the available evidence is currently insufficient to determine the role of this variant in disease. Therefore, it has been classified as a Variant of Uncertain Significance.

Color Diagnostics, LLC DBA Color Health
Classification: Uncertain significance for Cardiomyopathy. Last evaluated: 2025-06-25. Review status: criteria provided, single submitter. Criteria: ACMG Guidelines, 2015. Collection method: clinical testing. Allele origin: germline.
Comment: This missense variant replaces arginine with tryptophan at codon 1807 of the RYR2 protein. Computational prediction suggests that this variant may have deleterious impact on protein structure and function. To our knowledge, functional studies have not been reported for this variant. This variant has been reported in an individual affected with arrhythmogenic cardiomyopathy (PMID: 29750433) and in an individual suspected to be affected with cardiomyopathy or arrhythmia (PMID: 35947370). This variant has been identified in 3/248840 chromosomes in the general population by the Genome Aggregation Database (gnomAD). The available evidence is insufficient to determine the role of this variant in disease conclusively. Therefore, this variant is classified as a Variant of Uncertain Significance.

All of Us Research Program, National Institutes of Health
Classification: Uncertain significance for Catecholaminergic polymorphic ventricular tachycardia. Last evaluated: 2023-12-13. Review status: criteria provided, single submitter. Criteria: ACMG Guidelines, 2015. Collection method: clinical testing. Allele origin: germline. Inheritance: Autosomal dominant inheritance. Observed: 5 variant alleles, 5 heterozygotes.
Comment: This missense variant replaces arginine with tryptophan at codon 1807 of the RYR2 protein. Computational prediction suggests that this variant may have deleterious impact on protein structure and function (internally defined REVEL score threshold >= 0.7, PMID: 27666373). To our knowledge, functional studies have not been reported for this variant. This variant has been reported in an individual affected with arrhythmogenic cardiomyopathy (PMID: 29750433). This variant has been identified in 3/248840 chromosomes in the general population by the Genome Aggregation Database (gnomAD). The available evidence is insufficient to determine the role of this variant in disease conclusively. Therefore, this variant is classified as a Variant of Uncertain Significance.

This study involves interpretation of variants in research participants for the purpose of population health screening. Participant phenotype was not available at the time of variant classification. Additional details can be found in publication PMID: 35346344, PMCID: PMC8962531

AiLife Diagnostics
Classification: Uncertain significance. Last evaluated: 2021-09-03. Review status: criteria provided, single submitter. Criteria: ACMG Guidelines, 2015. Collection method: clinical testing. Allele origin: germline. Affected: yes. Observed: 2 variant alleles.

GeneDx
Classification: Uncertain significance. Last evaluated: 2021-06-04. Review status: criteria provided, single submitter. Criteria: GeneDx Variant Classification Process June 2021. Collection method: clinical testing. Allele origin: germline. Affected: yes.
Comment: Has not been previously published as pathogenic or benign in association with an RYR2-related disorder to our knowledge; Reported in ClinVar as a variant of uncertain significance (ClinVar Variant ID#653453; Landrum et al., 2016); Not observed at significant frequency in large population cohorts (Lek et al., 2016); In silico analysis supports that this missense variant has a deleterious effect on protein structure/function; Not located in one of the three hot-spot regions of the RYR2 gene, where the majority of pathogenic missense variants occur (Medeiros-Domingo et al., 2009); This variant is associated with the following publications: (PMID: 28404607, 19926015, 27535533)

CeGaT Center for Human Genetics Tuebingen
Classification: Uncertain significance. Last evaluated: 2016-05-01. Review status: criteria provided, single submitter. Criteria: CeGaT Center For Human Genetics Tuebingen Variant Classification Criteria Version 2. Collection method: clinical testing. Allele origin: germline. Affected: yes. Observed: 1 variant allele.

Literature cited by the submitters: PubMed 29750433 (cited by Color Diagnostics, LLC DBA Color Health and All of Us Research Program, National Institutes of Health); PubMed 35947370 (cited by Color Diagnostics, LLC DBA Color Health).

NM_001035.3(RYR2):c.5419C>T (p.Arg1807Trp)

Gene: RYR2 (ryanodine receptor 2; plus strand). Cytogenetic location: 1q43.
Variant type: single nucleotide variant.
Coding change: c.5419C>T on transcript NM_001035.3 (MANE Select); coding-DNA position 5419, C replaced by T.
Protein change: p.Arg1807Trp; replaces arginine 1807 with tryptophan.
Molecular consequence: missense variant.
Genome position (GRCh38, 1-based): chr1:237,614,547, C>T. VCF-style: chr1-237614547-C-T. GRCh37 (hg19) VCF-style: chr1-237777847-C-T.
Other names: c.5419C>T, p.Arg1807Trp (LRG_402t1); short protein forms R1807W.
Identifiers: ClinVar variation 653453 (VCV000653453.56), dbSNP rs752863160, ClinGen allele CA086886.